The following is an entry in ClinVar:

NM_139057.4(ADAMTS17):c.3211C>T (p.Arg1071Trp)

Gene: ADAMTS17 (ADAM metallopeptidase with thrombospondin type 1 motif 17; minus strand). Cytogenetic location: 15q26.3.
Variant type: single nucleotide variant.
Coding change: c.3211C>T on transcript NM_139057.4 (MANE Select); coding-DNA position 3211, C replaced by T.
Protein change: p.Arg1071Trp; replaces arginine 1071 with tryptophan.
Molecular consequence: missense variant.
Genome position (GRCh38, 1-based): chr15:99,974,479, G>A on the plus strand (C>T on the coding strand, the complement: ADAMTS17 is on the minus strand). VCF-style: chr15-99974479-G-A. GRCh37 (hg19) VCF-style: chr15-100514684-G-A.
Other names: c.3211C>T (NM_139057.2); short protein forms R1071W.
Identifiers: ClinVar variation 2377694 (VCV002377694.5), dbSNP rs773331594, ClinGen allele CA7757426.
Genomic context (GRCh38, chr15:99,974,479, plus strand): 5'-GCTGGCGCATCTTGTTTGCATAGAAGTCCCTGCAGGTCTGGCAGCAGCGCTGGTACCACC[G>A]CATGTCCTGGCAGAGGTTCTTTTCTCGGATGACCCGGCAATATACCGTCCACTGGTCTCG-3'
Protein context (NP_620688.2, residues 1061-1081): IREKNLCQDM[Arg1071Trp]WYQRCCQTCR

ClinVar aggregate classification (germline): Uncertain significance. Review status: criteria provided, multiple submitters, no conflicts (2 of 4 stars). 2 submissions from 2 submitters: Uncertain significance (2). Last evaluated 2022-11-21.

Conditions:
Inborn genetic diseases. Identifiers: MedGen C0950123, MeSH D030342.

Allele frequency attached by ClinVar (database versions not stated): ExAC 0.00001; gnomAD 0.00002; TOPMed 0.00003; 1000 Genomes Project 30x 0.00016.
gnomAD v4.1: 47 of 1,614,224 alleles (0.0029%); highest among the groups gnomAD compares: East Asian, 0.011%; no homozygotes.

Submissions (2):

Ambry Genetics
Classification: Uncertain significance for Inborn genetic diseases. Last evaluated: 2022-11-21. Review status: criteria provided, single submitter. Criteria: Ambry Variant Classification Scheme 2023. Collection method: clinical testing. Allele origin: germline.

Labcorp Genetics (formerly Invitae), Labcorp
Classification: Uncertain significance. Last evaluated: 2022-06-15. Review status: criteria provided, single submitter. Criteria: Invitae Variant Classification Sherloc (09022015). Collection method: clinical testing. Allele origin: germline.
Comment: This sequence change replaces arginine, which is basic and polar, with tryptophan, which is neutral and slightly polar, at codon 1071 of the ADAMTS17 protein (p.Arg1071Trp). This variant is present in population databases (rs773331594, gnomAD 0.01%). This variant has not been reported in the literature in individuals affected with ADAMTS17-related conditions. Algorithms developed to predict the effect of missense changes on protein structure and function are either unavailable or do not agree on the potential impact of this missense change (SIFT: "Not Available"; PolyPhen-2: "Probably Damaging"; Align-GVGD: "Not Available"). In summary, the available evidence is currently insufficient to determine the role of this variant in disease. Therefore, it has been classified as a Variant of Uncertain Significance.